The following is an entry in ClinVar:

ClinVar aggregate classification (germline): Uncertain significance (1 of 4 stars; one submission).

Allele frequency attached by ClinVar (database versions not stated): ExAC 0.00002; gnomAD exomes 0.00004; gnomAD 0.00001; TOPMed 0.00003; ESP Exome Variant Server 0.00008.
gnomAD v4.1: 57 of 1,614,058 alleles (0.0035%); highest among the groups gnomAD compares: Admixed American, 0.005%; no homozygotes.

Submission:

Labcorp Genetics (formerly Invitae), Labcorp
Classification: Uncertain significance. Last evaluated: 2023-12-13. Review status: criteria provided, single submitter. Criteria: Invitae Variant Classification Sherloc (09022015). Collection method: clinical testing. Allele origin: germline.
Comment: This sequence change replaces lysine, which is basic and polar, with asparagine, which is neutral and polar, at codon 1289 of the GPR179 protein (p.Lys1289Asn). This variant is present in population databases (rs377272189, gnomAD 0.006%). This variant has not been reported in the literature in individuals affected with GPR179-related conditions. ClinVar contains an entry for this variant (Variation ID: 1386142). An algorithm developed to predict the effect of missense changes on protein structure and function (PolyPhen-2) suggests that this variant¬†is likely to be tolerated. In summary, the available evidence is currently insufficient to determine the role of this variant in disease. Therefore, it has been classified as a Variant of Uncertain Significance.

NM_001004334.4(GPR179):c.3867G>C (p.Lys1289Asn)

Gene: GPR179 (G protein-coupled receptor 179; minus strand). Cytogenetic location: 17q12.
Variant type: single nucleotide variant.
Coding change: c.3867G>C on transcript NM_001004334.4 (MANE Select); coding-DNA position 3867, G replaced by C.
Protein change: p.Lys1289Asn; replaces lysine 1289 with asparagine.
Molecular consequence: missense variant.
Genome position (GRCh38, 1-based): chr17:38,329,702, C>G on the plus strand (G>C on the coding strand, the complement: GPR179 is on the minus strand). VCF-style: chr17-38329702-C-G. GRCh37 (hg19) VCF-style: chr17-36485585-C-G.
Other names: short protein forms K1289N.
Identifiers: ClinVar variation 1386142 (VCV001386142.4), dbSNP rs377272189, ClinGen allele CA290104691.
Genomic context (GRCh38, chr17:38,329,702, plus strand): 5'-CTTTTTCCGCATCATGGGAACCACATCTATGGGCTCTGATTTTCCCCGGGCCTCCCCTCT[C>G]TTTTTTTGGGAGTCACCTGGGTCTTGTCTTAGTGCCCTCGACTCTGGGGCTCCTTCACTC-3'
Protein context (NP_001004334.3, residues 1279-1299): LRQDPGDSQK[Lys1289Asn]RGEARGKSEP